The following is an entry in ClinVar:

ClinVar aggregate classification (germline): Uncertain significance. Review status: criteria provided, multiple submitters, no conflicts (2 of 4 stars). 2 submissions from 2 submitters: Uncertain significance (2). Last evaluated 2025-08-17.

Conditions:
Neurofibromatosis, type 1 (NF1). Also called: Peripheral type neurofibromatosis; Neurofibromatosis, type I; VON RECKLINGHAUSEN DISEASE; NEUROFIBROMATOSIS, TYPE I, SOMATIC. Identifiers: Orphanet 636, MedGen C0027831, MONDO:0018975, OMIM 162200. Disease mechanism: loss of function.
Hereditary cancer-predisposing syndrome. Also called: Neoplastic Syndromes, Hereditary; Hereditary neoplastic syndrome; Hereditary Cancer Syndrome; Tumor predisposition. Identifiers: Orphanet 140162, MedGen C0027672, MeSH D009386, MONDO:0015356.
Cardiovascular phenotype. Identifiers: MedGen CN230736.

Submissions (2):

Labcorp Genetics (formerly Invitae), Labcorp
Classification: Uncertain significance for Neurofibromatosis, type 1. Last evaluated: 2025-08-17. Review status: criteria provided, single submitter. Criteria: Invitae Variant Classification Sherloc (09022015). Collection method: clinical testing. Allele origin: germline.
Comment: This sequence change replaces serine, which is neutral and polar, with cysteine, which is neutral and slightly polar, at codon 2414 of the NF1 protein (p.Ser2414Cys). This variant is not present in population databases (gnomAD no frequency). This missense change has been observed in individual(s) with clinical features of neurofibromatosis type 1 (NF1) (PMID: 26740943). ClinVar contains an entry for this variant (Variation ID: 872186). Invitae Evidence Modeling of protein sequence and biophysical properties (such as structural, functional, and spatial information, amino acid conservation, physicochemical variation, residue mobility, and thermodynamic stability) indicates that this missense variant is expected to disrupt NF1 protein function with a positive predictive value of 95%. In summary, the available evidence is currently insufficient to determine the role of this variant in disease. Therefore, it has been classified as a Variant of Uncertain Significance.

Ambry Genetics
Classification: Uncertain significance for Cardiovascular phenotype; Hereditary cancer-predisposing syndrome. Last evaluated: 2022-01-24. Review status: criteria provided, single submitter. Criteria: Ambry Variant Classification Scheme 2023. Collection method: clinical testing. Allele origin: germline.
Comment: The p.S2414C variant (also known as c.7240A>T), located in coding exon 48 of the NF1 gene, results from an A to T substitution at nucleotide position 7240. The serine at codon 2414 is replaced by cysteine, an amino acid with dissimilar properties. This alteration was detected in an individual with NF1 or clinical suspicion of NF1 (Bianchessi D et al. Mol Genet Genomic Med, 2015 Nov;3:513-25). This amino acid position is highly conserved in available vertebrate species. In addition, the in silico prediction for this alteration is inconclusive. Since supporting evidence is limited at this time, the clinical significance of this alteration remains unclear.

Literature cited by the submitters: PubMed 26740943 (cited by Labcorp Genetics (formerly Invitae), Labcorp).

NM_001042492.3(NF1):c.7303A>T (p.Ser2435Cys)

Gene: NF1 (neurofibromin 1; plus strand). Cytogenetic location: 17q11.2.
Variant type: single nucleotide variant.
Coding change: c.7303A>T on transcript NM_001042492.3 (MANE Select); coding-DNA position 7303, A replaced by T.
Protein change: p.Ser2435Cys; replaces serine 2435 with cysteine.
Molecular consequence: missense variant.
Genome position (GRCh38, 1-based): chr17:31,349,233, A>T. VCF-style: chr17-31349233-A-T. GRCh37 (hg19) VCF-style: chr17-29676251-A-T.
Other names: c.7240A>T, p.Ser2414Cys (NM_000267.4); short protein forms S2435C, S2414C.
Identifiers: ClinVar variation 872186 (VCV000872186.20), dbSNP rs1555536038, ClinGen allele CA399016892.